The following is an entry in ClinVar:

NM_015080.4(NRXN2):c.2409C>T (p.Cys803=)

Gene: NRXN2 (neurexin 2; minus strand). Cytogenetic location: 11q13.1.
Variant type: single nucleotide variant.
Coding change: c.2409C>T on transcript NM_015080.4 (MANE Select); coding-DNA position 2409, C replaced by T.
Protein change: p.Cys803=; no amino-acid change (cysteine 803 retained).
Molecular consequence: synonymous variant. On other transcripts: intron variant (1).
Genome position (GRCh38, 1-based): chr11:64,653,703, G>A on the plus strand (C>T on the coding strand, the complement: NRXN2 is on the minus strand). VCF-style: chr11-64653703-G-A. GRCh37 (hg19) VCF-style: chr11-64421175-G-A.
Other names: c.2409C>T, p.Cys803= (NM_001376262.1); c.2388C>T, p.Cys796= (NM_001376263.1, NM_001376267.1); c.2364C>T, p.Cys788= (NM_001376265.1); c.2385C>T, p.Cys795= (NM_001376266.1); c.2297-1549C>T (NM_138732.3).
Identifiers: ClinVar variation 3043046 (VCV003043046.2), dbSNP rs148996754, ClinGen allele CA6078194.
Genomic context (GRCh38, chr11:64,653,703, plus strand): 5'-TCCAGCATCCCAGTCCCCTTGGGTCTCTGCAGAAGAAGAGGGAAGCCACTTACTGGGTGC[G>A]CAGCCGACGCGCAGGCAGTCTGGGGGGGCCATGGGGCGGGCAGAGGGGAAGGGGAGACAA-3'
Protein context (NP_055895.1, residues 793-813): TVNLDCLRVG[Cys803=]APSKGPETLF

ClinVar aggregate classification (germline): Benign (0 of 4 stars; one submission).

Conditions:
NRXN2-related disorder. Also called: NRXN2-related condition.

Allele frequency attached by ClinVar (database versions not stated): 1000 Genomes Project 0.00040; 1000 Genomes Project 30x 0.00047; gnomAD exomes 0.00150; ESP Exome Variant Server 0.00155; gnomAD 0.00174; TOPMed 0.00223; ExAC 0.00316.
gnomAD v4.1: 2,530 of 1,595,946 alleles (0.16%); highest among the groups gnomAD compares: Middle Eastern, 1%; 23 homozygotes.

Submission:

PreventionGenetics, part of Exact Sciences
Classification: Benign for NRXN2-related condition. Last evaluated: 2019-10-29. Review status: no assertion criteria provided. Collection method: clinical testing. Allele origin: germline.
Comment: This variant is classified as benign based on ACMG/AMP sequence variant interpretation guidelines (Richards et al. 2015 PMID: 25741868, with internal and published modifications).